The following is an entry in ClinVar:

ClinVar aggregate classification (germline): Benign/Likely benign. Review status: criteria provided, multiple submitters, no conflicts (2 of 4 stars). 5 submissions from 5 submitters: Benign (2); Likely benign (3). Last evaluated 2026-08-01.

Conditions:
Microcephaly and chorioretinopathy 1. Also called: Microcephaly and chorioretinopathy, autosomal recessive, 1. Identifiers: MedGen C3278481, MONDO:0009624, OMIM 251270.

Allele frequency attached by ClinVar (database versions not stated): TOPMed 0.00748; ESP Exome Variant Server 0.00761; gnomAD 0.00971 and 0.00981; ExAC 0.01018; gnomAD exomes 0.01028 and 0.01093; 1000 Genomes Project 0.00539; 1000 Genomes Project 30x 0.00547.
gnomAD v4.1: 16,549 of 1,613,570 alleles (1%); highest among the groups gnomAD compares: Middle Eastern, 4.7%; 153 homozygotes.

Submissions (5):

CeGaT Center for Human Genetics Tuebingen
Classification: Benign. Last evaluated: 2026-08-01. Review status: criteria provided, single submitter. Criteria: CeGaT Center For Human Genetics Tuebingen Variant Classification Criteria Version 2. Collection method: clinical testing. Allele origin: germline. Affected: yes. Observed: 36 variant alleles.
Comment: TUBGCP6: BP4, BP7, BS1, BS2

Labcorp Genetics (formerly Invitae), Labcorp
Classification: Benign. Last evaluated: 2026-02-01. Review status: criteria provided, single submitter. Criteria: Invitae Variant Classification Sherloc (09022015). Collection method: clinical testing. Allele origin: germline.

Fulgent Genetics
Classification: Likely benign for Microcephaly and chorioretinopathy 1. Last evaluated: 2022-04-19. Review status: criteria provided, single submitter. Criteria: ACMG Guidelines, 2015. Collection method: clinical testing. Allele origin: unknown.

GeneDx
Classification: Likely benign. Last evaluated: 2021-07-23. Review status: criteria provided, single submitter. Criteria: GeneDx Variant Classification Process June 2021. Collection method: clinical testing. Allele origin: germline. Affected: yes.

Breakthrough Genomics
Classification: Likely benign. Review status: criteria provided, single submitter. Criteria: ACMG Guidelines, 2015. Collection method: not provided. Allele origin: germline. Inheritance: Autosomal recessive inheritance. Affected: yes.

NM_020461.4(TUBGCP6):c.681C>T (p.Asp227=)

Gene: TUBGCP6 (tubulin gamma complex component 6; minus strand). Cytogenetic location: 22q13.33.
Variant type: single nucleotide variant.
Coding change: c.681C>T on transcript NM_020461.4 (MANE Select); coding-DNA position 681, C replaced by T.
Protein change: p.Asp227=; no amino-acid change (aspartic acid 227 retained).
Molecular consequence: synonymous variant.
Genome position (GRCh38, 1-based): chr22:50,243,779, G>A on the plus strand (C>T on the coding strand, the complement: TUBGCP6 is on the minus strand). VCF-style: chr22-50243779-G-A. GRCh37 (hg19) VCF-style: chr22-50682208-G-A.
Identifiers: ClinVar variation 1164780 (VCV001164780.42), dbSNP rs147321582, ClinGen allele CA10309001.